The following is an entry in ClinVar:

NM_004247.4(EFTUD2):c.686T>C (p.Ile229Thr)

Gene: EFTUD2 (elongation factor Tu GTP binding domain containing 2; minus strand). Cytogenetic location: 17q21.31.
Variant type: single nucleotide variant.
Coding change: c.686T>C on transcript NM_004247.4 (MANE Select); coding-DNA position 686, T replaced by C.
Protein change: p.Ile229Thr; replaces isoleucine 229 with threonine.
Molecular consequence: missense variant.
Genome position (GRCh38, 1-based): chr17:44,879,572, A>G on the plus strand (T>C on the coding strand, the complement: EFTUD2 is on the minus strand). VCF-style: chr17-44879572-A-G. GRCh37 (hg19) VCF-style: chr17-42956940-A-G.
Other names: c.581T>C, p.Ile194Thr (NM_001142605.2); c.686T>C, p.Ile229Thr (NM_001258353.2); c.656T>C, p.Ile219Thr (NM_001258354.2); short protein forms I194T, I219T, I229T.
Identifiers: ClinVar variation 1327831 (VCV001327831.2), dbSNP rs1408054257, ClinGen allele CA399821742.

ClinVar aggregate classification (germline): Uncertain significance (1 of 4 stars; one submission).

Allele frequency attached by ClinVar (database versions not stated): gnomAD exomes below 0.00001; TOPMed below 0.00001.
gnomAD v4.1: 2 of 1,613,984 alleles (0.00012%); highest among the groups gnomAD compares: Non-Finnish European, 0.000085%; no homozygotes.

Submission:

GeneDx
Classification: Uncertain significance. Last evaluated: 2021-12-09. Review status: criteria provided, single submitter. Criteria: GeneDx Variant Classification Process June 2021. Collection method: clinical testing. Allele origin: germline. Affected: yes.
Comment: Not observed in large population cohorts (Lek et al., 2016); In silico analysis supports that this missense variant has a deleterious effect on protein structure/function; Has not been previously published as pathogenic or benign to our knowledge